The following is an entry in ClinVar:

NM_000059.4(BRCA2):c.4617G>C (p.Leu1539Phe)

Gene: BRCA2 (BRCA2 DNA repair associated; plus strand). Cytogenetic location: 13q13.1.
Variant type: single nucleotide variant.
Coding change: c.4617G>C on transcript NM_000059.4 (MANE Select); coding-DNA position 4617, G replaced by C.
Protein change: p.Leu1539Phe; replaces leucine 1539 with phenylalanine.
Molecular consequence: missense variant. On other transcripts: non-coding transcript variant (1), intron variant (2).
Genome position (GRCh38, 1-based): chr13:32,338,972, G>C. VCF-style: chr13-32338972-G-C. GRCh37 (hg19) VCF-style: chr13-32913109-G-C.
Other names: c.4617G>C, p.Leu1539Phe (NM_001406719.1, NM_001406720.1, NM_001432077.1); c.1909+5585G>C (NM_001406721.1); c.425-5586G>C (NM_001406722.1); short protein forms L1539F.
Identifiers: ClinVar variation 3673258 (VCV003673258.3).

ClinVar aggregate classification (germline): Uncertain significance. Review status: criteria provided, multiple submitters, no conflicts (2 of 4 stars). 2 submissions from 2 submitters: Uncertain significance (2). Last evaluated 2025-08-01.

Conditions:
Hereditary cancer-predisposing syndrome. Also called: Neoplastic Syndromes, Hereditary; Tumor predisposition; Hereditary Cancer Syndrome; Hereditary neoplastic syndrome. Identifiers: Orphanet 140162, MedGen C0027672, MeSH D009386, MONDO:0015356.
Hereditary breast ovarian cancer syndrome. Also called: Hereditary breast and ovarian cancer syndrome (HBOC); BRCA1- and BRCA2-Associated Hereditary Breast and Ovarian Cancer; Hereditary breast and/or ovarian cancer syndrome; Hereditary breast and ovarian cancer; Breast and ovarian cancer; Hereditary breast and ovarian cancer syndrome. Identifiers: Orphanet 145, MedGen C0677776, MeSH D061325, MONDO:0003582. Disease mechanism: loss of function.

Submissions (2):

Ambry Genetics
Classification: Uncertain significance for Hereditary cancer-predisposing syndrome. Last evaluated: 2025-08-01. Review status: criteria provided, single submitter. Criteria: Ambry Variant Classification Scheme 2023. Collection method: clinical testing. Allele origin: germline.
Comment: The p.L1539F variant (also known as c.4617G>C), located in coding exon 10 of the BRCA2 gene, results from a G to C substitution at nucleotide position 4617. The leucine at codon 1539 is replaced by phenylalanine, an amino acid with highly similar properties. This amino acid position is conserved. In addition, the in silico prediction for this alteration is inconclusive. Based on the available evidence, the clinical significance of this variant remains unclear.

Labcorp Genetics (formerly Invitae), Labcorp
Classification: Uncertain significance for Hereditary breast ovarian cancer syndrome. Last evaluated: 2024-05-31. Review status: criteria provided, single submitter. Criteria: Invitae Variant Classification Sherloc (09022015). Collection method: clinical testing. Allele origin: germline.
Comment: This sequence change replaces leucine, which is neutral and non-polar, with phenylalanine, which is neutral and non-polar, at codon 1539 of the BRCA2 protein (p.Leu1539Phe). This variant is not present in population databases (gnomAD no frequency). This variant has not been reported in the literature in individuals affected with BRCA2-related conditions. Advanced modeling of protein sequence and biophysical properties (such as structural, functional, and spatial information, amino acid conservation, physicochemical variation, residue mobility, and thermodynamic stability) performed at Invitae indicates that this missense variant is not expected to disrupt BRCA2 protein function with a negative predictive value of 95%. In summary, the available evidence is currently insufficient to determine the role of this variant in disease. Therefore, it has been classified as a Variant of Uncertain Significance.